The following is an entry in ClinVar:

ClinVar aggregate classification (germline): Uncertain significance. Review status: criteria provided, multiple submitters, no conflicts (2 of 4 stars). 2 submissions from 2 submitters: Uncertain significance (2). Last evaluated 2024-09-09.

Conditions:
Cardiovascular phenotype. Identifiers: MedGen CN230736.
Desmin-related myofibrillar myopathy (MFM1). Also called: Desminopathy; Desmin related myopathy (former name); Desmin storage myopathy (former name); MYOFIBRILLAR MYOPATHY WITH ARRHYTHMOGENIC RIGHT VENTRICULAR CARDIOMYOPATHY; DESMIN-RELATED MYOPATHY WITH ARRHYTHMOGENIC RIGHT VENTRICULAR CARDIOMYOPATHY; Myofibrillar myopathy 1. Identifiers: Orphanet 363543, Orphanet 98909, MedGen C1832370, MONDO:0011076, OMIM 601419.

Allele frequency attached by ClinVar (database versions not stated): gnomAD exomes below 0.00001; gnomAD 0.00001; TOPMed 0.00001.
gnomAD v4.1: 2 of 1,613,862 alleles (0.00012%); highest among the groups gnomAD compares: African/African-American, 0.0027%; no homozygotes.

Submissions (2):

Labcorp Genetics (formerly Invitae), Labcorp
Classification: Uncertain significance for Desmin-related myofibrillar myopathy. Last evaluated: 2024-09-09. Review status: criteria provided, single submitter. Criteria: Invitae Variant Classification Sherloc (09022015). Collection method: clinical testing. Allele origin: germline.
Comment: This sequence change replaces leucine, which is neutral and non-polar, with phenylalanine, which is neutral and non-polar, at codon 254 of the DES protein (p.Leu254Phe). This variant is present in population databases (no rsID available, gnomAD 0.01%). This variant has not been reported in the literature in individuals affected with DES-related conditions. ClinVar contains an entry for this variant (Variation ID: 1905358). Invitae Evidence Modeling of protein sequence and biophysical properties (such as structural, functional, and spatial information, amino acid conservation, physicochemical variation, residue mobility, and thermodynamic stability) has been performed for this missense variant. However, the output from this modeling did not meet the statistical confidence thresholds required to predict the impact of this variant on DES protein function. In summary, the available evidence is currently insufficient to determine the role of this variant in disease. Therefore, it has been classified as a Variant of Uncertain Significance.

Ambry Genetics
Classification: Uncertain significance for Cardiovascular phenotype. Last evaluated: 2022-09-27. Review status: criteria provided, single submitter. Criteria: Ambry Variant Classification Scheme 2023. Collection method: clinical testing. Allele origin: germline.

NM_001927.4(DES):c.760C>T (p.Leu254Phe)

Gene: DES (desmin; plus strand). Cytogenetic location: 2q35.
Variant type: single nucleotide variant.
Coding change: c.760C>T on transcript NM_001927.4 (MANE Select); coding-DNA position 760, C replaced by T.
Protein change: p.Leu254Phe; replaces leucine 254 with phenylalanine.
Molecular consequence: missense variant. On other transcripts: intron variant (2).
Genome position (GRCh38, 1-based): chr2:219,420,519, C>T. VCF-style: chr2-219420519-C-T. GRCh37 (hg19) VCF-style: chr2-220285241-C-T.
Other names: c.757C>T, p.Leu253Phe (NM_001382708.1); c.760C>T, p.Leu254Phe (NM_001382710.1, NM_001382711.1, NM_001382712.1); c.735+173C>T (NM_001382709.1); c.496-6C>T (NM_001382713.1); short protein forms L253F, L254F.
Identifiers: ClinVar variation 1905358 (VCV001905358.6), dbSNP rs1007681126, ClinGen allele CA65982690.